The following is an entry in ClinVar:

ClinVar aggregate classification (germline): Uncertain significance (1 of 4 stars; one submission).

Conditions:
Cardiovascular phenotype. Identifiers: MedGen CN230736.

gnomAD v4.1: 1 of 1,613,926 alleles (0.000062%); highest among the groups gnomAD compares: African/African-American, 0.0013%; no homozygotes.

Submission:

Ambry Genetics
Classification: Uncertain significance for Cardiovascular phenotype. Last evaluated: 2026-09-11. Review status: criteria provided, single submitter. Criteria: Ambry Variant Classification Scheme 2023. Collection method: clinical testing. Allele origin: germline.
Comment: The p.Q3088K variant (also known as c.9262C>A), located in coding exon 26 of the APOB gene, results from a C to A substitution at nucleotide position 9262. The glutamine at codon 3088 is replaced by lysine, an amino acid with similar properties. This amino acid position is conserved. In addition, this alteration is predicted to be tolerated by in silico analysis. Based on the available evidence, the clinical significance of this variant remains unclear.

NM_000384.3(APOB):c.9262C>A (p.Gln3088Lys)

Gene: APOB (apolipoprotein B; minus strand). Cytogenetic location: 2p24.1.
Variant type: single nucleotide variant.
Coding change: c.9262C>A on transcript NM_000384.3 (MANE Select); coding-DNA position 9262, C replaced by A.
Protein change: p.Gln3088Lys; replaces glutamine 3088 with lysine.
Molecular consequence: missense variant.
Genome position (GRCh38, 1-based): chr2:21,007,606, G>T on the plus strand (C>A on the coding strand, the complement: APOB is on the minus strand). VCF-style: chr2-21007606-G-T. GRCh37 (hg19) VCF-style: chr2-21230478-G-T.
Other names: short protein forms Q3088K.
Identifiers: ClinVar variation 4613713 (VCV004613713.2).
Genomic context (GRCh38, chr2:21,007,606, plus strand): 5'-CGTTGTTTCCAGCAGAGAAATTTTGGTTGTACTTATACTGATTGAACCTAGCACTTACTT[G>T]CCAACTTGCTTGCTGGGCACTGGGACTCAGAAACAGTGCATAGTTATTCAGGAAGTCTAT-3'
Protein context (NP_000375.3, residues 3078-3098): LSPSAQQASW[Gln3088Lys]VSARFNQYKY